The following is an entry in ClinVar:

ClinVar aggregate classification (germline): Uncertain significance. Review status: criteria provided, single submitter (1 of 4 stars). 2 submissions from 2 submitters: Uncertain significance (1). 1 of the submissions does not count toward it. Last evaluated 2023-06-20.

Conditions:
Bethlem myopathy 1A. Also called: Bethlem myopathy 1; MYOPATHY, BENIGN CONGENITAL, WITH CONTRACTURES; Bethlem Muscular Dystrophy. Identifiers: Orphanet 610, MedGen CN029274, MONDO:0024530, OMIM 158810.
COL6A3-related disorder. Also called: COL6A3-related disorders; COL6A3-related condition.

Submissions (2):

Labcorp Genetics (formerly Invitae), Labcorp
Classification: Uncertain significance for Bethlem myopathy 1A. Last evaluated: 2023-06-20. Review status: criteria provided, single submitter. Criteria: Invitae Variant Classification Sherloc (09022015). Collection method: clinical testing. Allele origin: germline.
Comment: In summary, the available evidence is currently insufficient to determine the role of this variant in disease. Therefore, it has been classified as a Variant of Uncertain Significance. Advanced modeling of protein sequence and biophysical properties (such as structural, functional, and spatial information, amino acid conservation, physicochemical variation, residue mobility, and thermodynamic stability) performed at Invitae indicates that this missense variant is not expected to disrupt COL6A3 protein function. This variant has not been reported in the literature in individuals affected with COL6A3-related conditions. This variant is not present in population databases (gnomAD no frequency). This sequence change replaces aspartic acid, which is acidic and polar, with asparagine, which is neutral and polar, at codon 1961 of the COL6A3 protein (p.Asp1961Asn).

PreventionGenetics, part of Exact Sciences
Classification: Uncertain significance for COL6A3-related condition. Last evaluated: 2024-05-10. Review status: no assertion criteria provided. Collection method: clinical testing. Allele origin: germline. Not counted in ClinVar's aggregate classification.
Comment: The COL6A3 c.5881G>A variant is predicted to result in the amino acid substitution p.Asp1961Asn. To our knowledge, this variant has not been reported in the literature or in a large population database, indicating this variant is rare. At this time, the clinical significance of this variant is uncertain due to the absence of conclusive functional and genetic evidence.

NM_004369.4(COL6A3):c.5881G>A (p.Asp1961Asn)

Gene: COL6A3 (collagen type VI alpha 3 chain; minus strand). Cytogenetic location: 2q37.3.
Variant type: single nucleotide variant.
Coding change: c.5881G>A on transcript NM_004369.4 (MANE Select); coding-DNA position 5881, G replaced by A.
Protein change: p.Asp1961Asn; replaces aspartic acid 1961 with asparagine.
Molecular consequence: missense variant.
Genome position (GRCh38, 1-based): chr2:237,364,386, C>T on the plus strand (G>A on the coding strand, the complement: COL6A3 is on the minus strand). VCF-style: chr2-237364386-C-T. GRCh37 (hg19) VCF-style: chr2-238273029-C-T.
Other names: c.4060G>A, p.Asp1354Asn (NM_057166.5); c.5263G>A, p.Asp1755Asn (NM_057167.4); short protein forms D1755N, D1354N, D1961N.
Identifiers: ClinVar variation 2887924 (VCV002887924.4), dbSNP rs2106347272, ClinGen allele CA351219797.